The following is an entry in ClinVar:

NM_002474.3(MYH11):c.346-296G>A

Gene: MYH11 (myosin heavy chain 11; minus strand). Cytogenetic location: 16p13.11.
Variant type: single nucleotide variant.
Coding change: c.346-296G>A on transcript NM_002474.3 (MANE Select); 296 bases into the intron before coding-DNA position 346, G replaced by A.
Molecular consequence: intron variant.
Genome position (GRCh38, 1-based): chr16:15,823,707, C>T on the plus strand (G>A on the coding strand, the complement: MYH11 is on the minus strand). VCF-style: chr16-15823707-C-T. GRCh37 (hg19) VCF-style: chr16-15917564-C-T.
Other names: c.346-296G>A (NM_022844.3, NM_001040114.2, NM_001040113.2).
Identifiers: ClinVar variation 680988 (VCV000680988.1), dbSNP rs147801884, ClinGen allele CA278623306.

ClinVar aggregate classification (germline): Likely benign (1 of 4 stars; one submission).

Allele frequency attached by ClinVar (database versions not stated): gnomAD 0.00895 and 0.00969; 1000 Genomes Project 0.01018; 1000 Genomes Project 30x 0.01046; TOPMed 0.00885.
gnomAD v4.1: 1,463 of 152,222 alleles (0.96%); highest among the groups gnomAD compares: South Asian, 2.7%; 16 homozygotes.

Submission:

GeneDx
Classification: Likely benign. Last evaluated: 2018-06-16. Review status: criteria provided, single submitter. Criteria: GeneDx Variant Classification (06012015). Collection method: clinical testing. Allele origin: germline. Affected: yes.
Comment: This variant is considered likely benign or benign based on one or more of the following criteria: it is a conservative change, it occurs at a poorly conserved position in the protein, it is predicted to be benign by multiple in silico algorithms, and/or has population frequency not consistent with disease.